The following is an entry in ClinVar:

ClinVar aggregate classification (germline): Uncertain significance. Review status: criteria provided, multiple submitters, no conflicts (2 of 4 stars). 2 submissions from 2 submitters: Uncertain significance (2). Last evaluated 2025-03-18.

Conditions:
Hereditary cancer-predisposing syndrome. Also called: Neoplastic Syndromes, Hereditary; Tumor predisposition; Hereditary neoplastic syndrome; Hereditary Cancer Syndrome. Identifiers: Orphanet 140162, MedGen C0027672, MeSH D009386, MONDO:0015356.
Familial adenomatous polyposis 1 (FAP1). Also called: POLYPOSIS, ADENOMATOUS INTESTINAL; FAMILIAL ADENOMATOUS POLYPOSIS 1, ATTENUATED. Identifiers: MedGen C2713442, MONDO:0021056, OMIM 175100. Disease mechanism: loss of function.

Allele frequency attached by ClinVar (database versions not stated): gnomAD exomes below 0.00001.
gnomAD v4.1: 5 of 1,614,030 alleles (0.00031%); highest among the groups gnomAD compares: South Asian, 0.0022%; no homozygotes.

Submissions (2):

Ambry Genetics
Classification: Uncertain significance for Hereditary cancer-predisposing syndrome. Last evaluated: 2025-03-18. Review status: criteria provided, single submitter. Criteria: Ambry Variant Classification Scheme 2023. Collection method: clinical testing. Allele origin: germline.
Comment: The p.T1459A variant (also known as c.4375A>G), located in coding exon 15 of the APC gene, results from an A to G substitution at nucleotide position 4375. The threonine at codon 1459 is replaced by alanine, an amino acid with similar properties. This amino acid position is poorly conserved in available vertebrate species. In addition, in silico predictors for this gene do not accurately predict pathogenicity. Missense alterations in APC are not a common cause of disease (Spier I et al. Genet Med. 2024 Feb;26(2):100992). Based on the available evidence, the clinical significance of this variant remains unclear.

Labcorp Genetics (formerly Invitae), Labcorp
Classification: Uncertain significance for Familial adenomatous polyposis 1. Last evaluated: 2024-03-08. Review status: criteria provided, single submitter. Criteria: Invitae Variant Classification Sherloc (09022015). Collection method: clinical testing. Allele origin: germline.
Comment: This sequence change replaces threonine, which is neutral and polar, with alanine, which is neutral and non-polar, at codon 1459 of the APC protein (p.Thr1459Ala). This variant is present in population databases (no rsID available, gnomAD 0.003%). This variant has not been reported in the literature in individuals affected with APC-related conditions. ClinVar contains an entry for this variant (Variation ID: 824841). Advanced modeling of protein sequence and biophysical properties (such as structural, functional, and spatial information, amino acid conservation, physicochemical variation, residue mobility, and thermodynamic stability) performed at Invitae indicates that this missense variant is not expected to disrupt APC protein function with a negative predictive value of 95%. In summary, the available evidence is currently insufficient to determine the role of this variant in disease. Therefore, it has been classified as a Variant of Uncertain Significance.

NM_000038.6(APC):c.4375A>G (p.Thr1459Ala)

Gene: APC (APC regulator of Wnt signaling pathway; plus strand). Cytogenetic location: 5q22.2.
Variant type: single nucleotide variant.
Coding change: c.4375A>G on transcript NM_000038.6 (MANE Select); coding-DNA position 4375, A replaced by G.
Protein change: p.Thr1459Ala; replaces threonine 1459 with alanine.
Molecular consequence: missense variant.
Genome position (GRCh38, 1-based): chr5:112,839,969, A>G. VCF-style: chr5-112839969-A-G. GRCh37 (hg19) VCF-style: chr5-112175666-A-G.
Other names: c.4375A>G, p.Thr1459Ala (NM_001127510.3, NM_001354895.2); c.4321A>G, p.Thr1441Ala (NM_001127511.3); c.4429A>G, p.Thr1477Ala (NM_001354896.2); c.4405A>G, p.Thr1469Ala (NM_001354897.2); c.4300A>G, p.Thr1434Ala (NM_001354898.2); c.4291A>G, p.Thr1431Ala (NM_001354899.2); c.4252A>G, p.Thr1418Ala (NM_001354900.2); c.4198A>G, p.Thr1400Ala (NM_001354901.2); and 5 more; short protein forms T1299A, T1477A, T1358A, T1459A, T1368A, T1418A, T1431A, T1176A.
Identifiers: ClinVar variation 824841 (VCV000824841.7), dbSNP rs1283500963, ClinGen allele CA16030911.